The following is an entry in ClinVar:

ClinVar aggregate classification (germline): Likely pathogenic (1 of 4 stars; one submission).

Submission:

GeneDx
Classification: Likely pathogenic. Last evaluated: 2024-12-03. Review status: criteria provided, single submitter. Criteria: GeneDx Variant Classification Process June 2021. Collection method: clinical testing. Allele origin: germline. Affected: yes.
Comment: Not observed at significant frequency in large population cohorts (gnomAD); In silico analysis supports that this missense variant has a deleterious effect on protein structure/function; Has not been previously published as pathogenic or benign to our knowledge

NM_004187.5(KDM5C):c.1660C>T (p.Pro554Ser)

Gene: KDM5C (lysine demethylase 5C; minus strand). Cytogenetic location: Xp11.22.
Variant type: single nucleotide variant.
Coding change: c.1660C>T on transcript NM_004187.5 (MANE Select); coding-DNA position 1660, C replaced by T.
Protein change: p.Pro554Ser; replaces proline 554 with serine.
Molecular consequence: missense variant. On other transcripts: non-coding transcript variant (3).
Genome position (GRCh38, 1-based): chrX:53,210,500, G>A on the plus strand (C>T on the coding strand, the complement: KDM5C is on the minus strand). VCF-style: chrX-53210500-G-A. GRCh37 (hg19) VCF-style: chrX-53239682-G-A.
Other names: c.1459C>T, p.Pro487Ser (NM_001146702.2); c.1657C>T, p.Pro553Ser (NM_001282622.3, NM_001353979.2, NM_001353982.2); c.1660C>T, p.Pro554Ser (NM_001353978.3, NM_001353981.2, NM_001353984.2); short protein forms P487S, P553S, P554S.
Identifiers: ClinVar variation 3901499 (VCV003901499.1).